The following is an entry in ClinVar:

ClinVar aggregate classification (germline): Likely benign (1 of 4 stars; one submission).

Conditions:
Colorectal cancer, susceptibility to, 1. Also called: COLORECTAL ADENOMA AND CANCER, SUSCEPTIBILITY TO; COLORECTAL CANCER, SUSCEPTIBILITY TO, ON CHROMOSOME 9. Identifiers: MedGen C1837315, MONDO:0012132, OMIM 608812.

Submission:

Myriad Genetics, Inc.
Classification: Likely benign for Colorectal cancer, susceptibility to, 1. Last evaluated: 2026-04-21. Review status: criteria provided, single submitter. Criteria: Myriad Autosomal Dominant, Autosomal Recessive and X-Linked Classification Criteria (2023). Collection method: clinical testing. Allele origin: unknown.
Comment: This variant is considered likely benign. This variant is intronic and is not expected to impact mRNA splicing.

NM_024642.5(GALNT12):c.371+8C>T

Gene: GALNT12 (polypeptide N-acetylgalactosaminyltransferase 12; plus strand). Cytogenetic location: 9q22.33.
Variant type: single nucleotide variant.
Coding change: c.371+8C>T on transcript NM_024642.5 (MANE Select); 8 bases into the intron after coding-DNA position 371, C replaced by T.
Molecular consequence: intron variant.
Genome position (GRCh38, 1-based): chr9:98,808,077, C>T. VCF-style: chr9-98808077-C-T. GRCh37 (hg19) VCF-style: chr9-101570359-C-T.
Identifiers: ClinVar variation 4876147 (VCV004876147.1).